The following is an entry in ClinVar:

ClinVar aggregate classification (germline): Likely pathogenic (1 of 4 stars; one submission).

Conditions:
Hereditary breast ovarian cancer syndrome. Also called: Hereditary breast and/or ovarian cancer syndrome; Breast and ovarian cancer; Hereditary breast and ovarian cancer; BRCA1- and BRCA2-Associated Hereditary Breast and Ovarian Cancer; Hereditary breast and ovarian cancer syndrome; Hereditary breast and ovarian cancer syndrome (HBOC). Identifiers: Orphanet 145, MedGen C0677776, MeSH D061325, MONDO:0003582. Disease mechanism: loss of function.

Submission:

Labcorp Genetics (formerly Invitae), Labcorp
Classification: Likely pathogenic for Hereditary breast ovarian cancer syndrome. Last evaluated: 2021-11-23. Review status: criteria provided, single submitter. Criteria: Invitae Variant Classification Sherloc (09022015). Collection method: clinical testing. Allele origin: germline.
Comment: In summary, the currently available evidence indicates that the variant is pathogenic, but additional data are needed to prove that conclusively. Therefore, this variant has been classified as Likely Pathogenic. This variant has not been reported in the literature in individuals affected with BRCA1-related conditions. This variant results in a copy number gain of the genomic region encompassing exon(s) 15-18 of the BRCA1 gene. While the exact position of this variant cannot be determined from the data, sub-genic copy number gains are generally in tandem (PMID: 25640679). This variant is predicted to be out-of-frame, and may result in an absent or disrupted protein product. Loss-of-function variants in BRCA1 are known to be pathogenic (PMID: 20104584).

Literature cited by the submitters: PubMed 25640679; PubMed 20104584.

NC_000017.10:g.(?_41215330)_(41223340_?)dup

Gene: BRCA1 (BRCA1 DNA repair associated; minus strand). Cytogenetic location: 17q21.31.
Variant type: Duplication.
Identifiers: ClinVar variation 1517654 (VCV001517654.7).